The following is an entry in ClinVar:

ClinVar aggregate classification (germline): Uncertain significance (1 of 4 stars; one submission).

Submission:

GeneDx
Classification: Uncertain significance. Last evaluated: 2025-07-13. Review status: criteria provided, single submitter. Criteria: GeneDx Variant Classification Process June 2021. Collection method: clinical testing. Allele origin: germline. Affected: yes.
Comment: Not observed at significant frequency in large population cohorts (gnomAD); In silico analysis supports that this missense variant has a deleterious effect on protein structure/function; Has not been previously published as pathogenic or benign to our knowledge

NM_198880.3(QRICH1):c.254A>G (p.Gln85Arg)

Gene: QRICH1 (glutamine rich 1; minus strand). Cytogenetic location: 3p21.31.
Variant type: single nucleotide variant.
Coding change: c.254A>G on transcript NM_198880.3 (MANE Select); coding-DNA position 254, A replaced by G.
Protein change: p.Gln85Arg; replaces glutamine 85 with arginine.
Molecular consequence: missense variant.
Genome position (GRCh38, 1-based): chr3:49,076,764, T>C on the plus strand (A>G on the coding strand, the complement: QRICH1 is on the minus strand). VCF-style: chr3-49076764-T-C. GRCh37 (hg19) VCF-style: chr3-49114197-T-C.
Other names: c.254A>G, p.Gln85Arg (NM_001320580.2, NM_001320581.2, NM_001320582.2 and 4 more transcripts); short protein forms Q85R.
Identifiers: ClinVar variation 4686187 (VCV004686187.1).